The following is an entry in ClinVar:

ClinVar aggregate classification (germline): Pathogenic/Likely pathogenic. Review status: criteria provided, multiple submitters, no conflicts (2 of 4 stars). 2 submissions from 2 submitters: Pathogenic (1); Likely pathogenic (1). Last evaluated 2026-01-28.

Conditions:
Propionic acidemia (PROP). Also called: GLYCINEMIA, KETOTIC; HYPERGLYCINEMIA WITH KETOACIDOSIS AND LEUKOPENIA; KETOTIC HYPERGLYCINEMIA. Identifiers: Orphanet 35, MedGen C0268579, MONDO:0011628, OMIM 606054, HP:0003571.

Submissions (2):

Natera, Inc.
Classification: Likely pathogenic for Propionic acidemia. Last evaluated: 2026-01-28. Review status: criteria provided, single submitter. Criteria: Natera Variant Classification Schema (03/2026). Collection method: clinical testing. Allele origin: germline.
Comment: The c.1168del variant in PCCA is a frameshift variant predicted to shift the reading frame beginning at codon 390 and leads to a stop codon 59 codons downstream. This variant is expected to result in nonsense mediated decay, truncation, or a dysfunctional protein product. This variant is rare in the general population with a frequency below the threshold expected for the associated phenotype(s). Given the available evidence, this variant is classified as Likely Pathogenic.

Labcorp Genetics (formerly Invitae), Labcorp
Classification: Pathogenic for Propionic acidemia. Last evaluated: 2025-07-31. Review status: criteria provided, single submitter. Criteria: Invitae Variant Classification Sherloc (09022015). Collection method: clinical testing. Allele origin: germline.
Comment: This sequence change creates a premature translational stop signal (p.Arg390Alafs*59) in the PCCA gene. It is expected to result in an absent or disrupted protein product. Loss-of-function variants in PCCA are known to be pathogenic (PMID: 15464417). This variant is not present in population databases (gnomAD no frequency). This variant has not been reported in the literature in individuals affected with PCCA-related conditions. ClinVar contains an entry for this variant (Variation ID: 3686960). Algorithms developed to predict the effect of sequence changes on RNA splicing suggest that this variant may disrupt the consensus splice site. For these reasons, this variant has been classified as Pathogenic.

Literature cited by the submitters: PubMed 15464417 (cited by Labcorp Genetics (formerly Invitae), Labcorp).

NM_000282.4(PCCA):c.1168del (p.Arg390fs)

Gene: PCCA (propionyl-CoA carboxylase subunit alpha; plus strand). Cytogenetic location: 13q32.3.
Variant type: Deletion.
Coding change: c.1168del on transcript NM_000282.4 (MANE Select); coding-DNA position 1168, one base deleted (C; older notation c.1168delC).
Protein change: p.Arg390fs; shifts the reading frame from arginine 390.
Molecular consequence: frameshift variant. On other transcripts: non-coding transcript variant (5), intron variant (3).
Genome position (GRCh38, 1-based): chr13:100,301,562, C deleted. VCF-style (leftmost placement, unchanged base first): chr13-100301561-TC-T. GRCh37 (hg19) VCF-style: chr13-100953815-TC-T.
Other names: c.1168del (NM_000282.3); c.1168del, p.Arg390fs (NM_001352609.2, NM_001178004.2, NM_001352605.2); c.223del, p.Arg75fs (NM_001352610.2, NM_001352611.2); c.1066-1362del (NM_001352606.2); c.121-1362del (NM_001352612.2); c.988-1362del (NM_001352608.2); c.1090del, p.Arg364fs (NM_001127692.3, NM_001352607.2); short protein forms R390fs, R75fs, R364fs.
Identifiers: ClinVar variation 3686960 (VCV003686960.3).